The following is an entry in ClinVar:

ClinVar aggregate classification (germline): Pathogenic (1 of 4 stars; one submission).

Conditions:
Inborn genetic diseases. Identifiers: MedGen C0950123, MeSH D030342.

Submission:

Ambry Genetics
Classification: Pathogenic for Inborn genetic diseases. Last evaluated: 2023-06-23. Review status: criteria provided, single submitter. Criteria: Ambry Variant Classification Scheme 2023. Collection method: clinical testing. Allele origin: germline.
Comment: The c.1859delA (p.N620Mfs*14) alteration, located in exon 20 (coding exon 20) of the RPS6KA3 gene, consists of a deletion of one nucleotide at position 1859, causing a translational frameshift with a predicted alternate stop codon after 14 amino acids. This alteration is expected to result in loss of function by premature protein truncation or nonsense-mediated mRNA decay. This variant was not reported in population-based cohorts in the Genome Aggregation Database (gnomAD). Based on the available evidence, this alteration is classified as pathogenic.

NM_004586.3(RPS6KA3):c.1859del (p.Asn620fs)

Gene: RPS6KA3 (ribosomal protein S6 kinase A3; minus strand). Cytogenetic location: Xp22.12.
Variant type: Deletion.
Coding change: c.1859del on transcript NM_004586.3 (MANE Select); coding-DNA position 1859, one base deleted (A; older notation c.1859delA).
Protein change: p.Asn620fs; shifts the reading frame from asparagine 620.
Molecular consequence: frameshift variant.
Genome position (GRCh38, 1-based): chrX:20,161,744, T deleted on the plus strand (A on the coding strand, the reverse complement: RPS6KA3 is on the minus strand); the first of 3 consecutive T bases (chrX:20,161,744-20,161,746); deleting any one gives the same sequence. VCF-style (leftmost placement, unchanged base first): chrX-20161743-AT-A. GRCh37 (hg19) VCF-style: chrX-20179861-AT-A.
Other names: short protein forms N620fs.
Identifiers: ClinVar variation 2603726 (VCV002603726.2), dbSNP rs2519604922, ClinGen allele CA2579569059.